The following is an entry in ClinVar:

NM_001379500.1(COL18A1):c.52G>A (p.Val18Met)

Genes: BNAT1 (breast cancer associated ESR1 regulating natural antisense transcript 1; minus strand), COL18A1 (collagen type XVIII alpha 1 chain; plus strand). Cytogenetic location: 21q22.3.
Variant type: single nucleotide variant.
Coding change: c.52G>A on transcript NM_001379500.1 (MANE Select); coding-DNA position 52, G replaced by A.
Protein change: p.Val18Met; replaces valine 18 with methionine.
Molecular consequence: missense variant.
Genome position (GRCh38, 1-based): chr21:45,405,419, G>A. VCF-style: chr21-45405419-G-A. GRCh37 (hg19) VCF-style: chr21-46825334-G-A.
Other names: short protein forms V18M.
Identifiers: ClinVar variation 1393882 (VCV001393882.6), dbSNP rs1248894051, ClinGen allele CA410620336.

ClinVar aggregate classification (germline): Uncertain significance (1 of 4 stars; one submission).

gnomAD v4.1: 1 of 1,359,966 alleles (0.000074%); no homozygotes.

Submission:

Labcorp Genetics (formerly Invitae), Labcorp
Classification: Uncertain significance. Last evaluated: 2022-01-17. Review status: criteria provided, single submitter. Criteria: Invitae Variant Classification Sherloc (09022015). Collection method: clinical testing. Allele origin: germline.
Comment: In summary, the available evidence is currently insufficient to determine the role of this variant in disease. Therefore, it has been classified as a Variant of Uncertain Significance. Experimental studies and prediction algorithms are not available or were not evaluated, and the functional significance of this variant is currently unknown. This variant has not been reported in the literature in individuals affected with COL18A1-related conditions. This variant is not present in population databases (gnomAD no frequency). This sequence change replaces valine, which is neutral and non-polar, with methionine, which is neutral and non-polar, at codon 18 of the COL18A1 protein (p.Val18Met).